The following is an entry in ClinVar:

NM_000137.4(FAH):c.315-3C>G

Genes: FAH (fumarylacetoacetate hydrolase; plus strand), LOC112272621 (Sharpr-MPRA regulatory region 12283; plus strand). Cytogenetic location: 15q25.1.
Variant type: single nucleotide variant.
Coding change: c.315-3C>G on transcript NM_000137.4 (MANE Select); 3 bases into the intron before coding-DNA position 315, C replaced by G.
Molecular consequence: intron variant.
Genome position (GRCh38, 1-based): chr15:80,160,407, C>G. VCF-style: chr15-80160407-C-G. GRCh37 (hg19) VCF-style: chr15-80452749-C-G.
Other names: c.315-3C>G (NM_000137.3, NM_001374377.1, NM_001374380.1).
Identifiers: ClinVar variation 934461 (VCV000934461.12), dbSNP rs1171235203, ClinGen allele CA716105242.

ClinVar aggregate classification (germline): Pathogenic/Likely pathogenic. Review status: criteria provided, multiple submitters, no conflicts (2 of 4 stars). 3 submissions from 3 submitters: Pathogenic (1); Likely pathogenic (1). 1 of the submissions does not count toward it. Last evaluated 2025-03-20.

Conditions:
Tyrosinemia type I (TYRSN1). Also called: Tyrosinemia type 1; Fumarylacetoacetase deficiency; Deficiency of fumarylacetoacetase; HEPATORENAL TYROSINEMIA; FAH DEFICIENCY. Identifiers: Orphanet 882, MedGen C0268490, MONDO:0010161, OMIM 276700. Disease mechanism: loss of function.

Allele frequency attached by ClinVar (database versions not stated): gnomAD 0.00001; TOPMed 0.00001.

Submissions (3):

Revvity Omics, Revvity
Classification: Likely pathogenic for Tyrosinemia type I. Last evaluated: 2025-03-20. Review status: criteria provided, single submitter. Criteria: ACMG Guidelines, 2015. Collection method: clinical testing. Allele origin: germline.

Labcorp Genetics (formerly Invitae), Labcorp
Classification: Pathogenic for Tyrosinemia type I. Last evaluated: 2023-10-18. Review status: criteria provided, single submitter. Criteria: Invitae Variant Classification Sherloc (09022015). Collection method: clinical testing. Allele origin: germline.
Comment: This sequence change falls in intron 3 of the FAH gene. It does not directly change the encoded amino acid sequence of the FAH protein. It affects a nucleotide within the consensus splice site. This variant is not present in population databases (gnomAD no frequency). This variant has been observed in individual(s) with tyrosinemia type I (PMID: 23430822). This variant is also known as IVS3-3C>G. ClinVar contains an entry for this variant (Variation ID: 934461). Variants that disrupt the consensus splice site are a relatively common cause of aberrant splicing (PMID: 17576681, 9536098). Algorithms developed to predict the effect of sequence changes on RNA splicing suggest that this variant may disrupt the consensus splice site. For these reasons, this variant has been classified as Pathogenic.

Natera, Inc.
Classification: Likely pathogenic for Tyrosinemia type I. Last evaluated: 2020-03-23. Review status: no assertion criteria provided. Collection method: clinical testing. Allele origin: germline. Not counted in ClinVar's aggregate classification.

Literature cited by the submitters: PubMed 23430822 (cited by Labcorp Genetics (formerly Invitae), Labcorp); PubMed 17576681 (cited by Labcorp Genetics (formerly Invitae), Labcorp); PubMed 9536098 (cited by Labcorp Genetics (formerly Invitae), Labcorp).